The following is an entry in ClinVar:

NM_174934.4(SCN4B):c.520A>G (p.Ile174Val)

Gene: SCN4B (sodium voltage-gated channel beta subunit 4; minus strand). Cytogenetic location: 11q23.3.
Variant type: single nucleotide variant.
Coding change: c.520A>G on transcript NM_174934.4 (MANE Select); coding-DNA position 520, A replaced by G.
Protein change: p.Ile174Val; replaces isoleucine 174 with valine.
Molecular consequence: missense variant. On other transcripts: non-coding transcript variant (1).
Genome position (GRCh38, 1-based): chr11:118,141,280, T>C on the plus strand (A>G on the coding strand, the complement: SCN4B is on the minus strand). VCF-style: chr11-118141280-T-C. GRCh37 (hg19) VCF-style: chr11-118011995-T-C.
Other names: c.190A>G, p.Ile64Val (NM_001142349.2); c.118A>G, p.Ile40Val (NM_001142348.2); short protein forms I174V, I40V, I64V.
Identifiers: ClinVar variation 574219 (VCV000574219.12), dbSNP rs377730779, ClinGen allele CA6300175.

ClinVar aggregate classification (germline): Conflicting classifications of pathogenicity. Review status: criteria provided, conflicting classifications (1 of 4 stars). 3 submissions from 3 submitters: Uncertain significance (2); Likely benign (1). Last evaluated 2026-01-24.

Conditions:
Cardiovascular phenotype. Identifiers: MedGen CN230736.
Long QT syndrome 10 (LQT10). Identifiers: Orphanet 101016, Orphanet 768, MedGen C2678484, MONDO:0012737, OMIM 611819.

Allele frequency attached by ClinVar (database versions not stated): ExAC 0.00003; ESP Exome Variant Server 0.00008; TOPMed 0.00013; 1000 Genomes Project 30x 0.00016; gnomAD 0.00019; 1000 Genomes Project 0.00020.
gnomAD v4.1: 38 of 1,612,738 alleles (0.0024%); highest among the groups gnomAD compares: African/African-American, 0.044%; no homozygotes.

Submissions (3):

Labcorp Genetics (formerly Invitae), Labcorp
Classification: Uncertain significance for Long QT syndrome 10. Last evaluated: 2026-01-24. Review status: criteria provided, single submitter. Criteria: Invitae Variant Classification Sherloc (09022015). Collection method: clinical testing. Allele origin: germline.
Comment: This sequence change replaces isoleucine, which is neutral and non-polar, with valine, which is neutral and non-polar, at codon 174 of the SCN4B protein (p.Ile174Val). This variant is present in population databases (rs377730779, gnomAD 0.05%), and has an allele count higher than expected for a pathogenic variant. This variant has not been reported in the literature in individuals affected with SCN4B-related conditions. ClinVar contains an entry for this variant (Variation ID: 574219). An algorithm developed to predict the effect of missense changes on protein structure and function outputs the following: PolyPhen-2: "Benign". The valine amino acid residue is found in multiple mammalian species, which suggests that this missense change does not adversely affect protein function. In summary, the available evidence is currently insufficient to determine the role of this variant in disease. Therefore, it has been classified as a Variant of Uncertain Significance.

Ambry Genetics
Classification: Likely benign for Cardiovascular phenotype. Last evaluated: 2024-01-31. Review status: criteria provided, single submitter. Criteria: Ambry Variant Classification Scheme 2023. Collection method: clinical testing. Allele origin: germline.

Fulgent Genetics
Classification: Uncertain significance for Long QT syndrome 10. Last evaluated: 2021-09-01. Review status: criteria provided, single submitter. Criteria: ACMG Guidelines, 2015. Collection method: clinical testing. Allele origin: unknown.